The following is an entry in ClinVar:

ClinVar aggregate classification (germline): Uncertain significance (1 of 4 stars; one submission).

Conditions:
Familial cancer of breast. Also called: hereditary breast carcinoma; BREAST CANCER, FAMILIAL; Hereditary breast cancer. Identifiers: Orphanet 227535, MedGen C0346153, MONDO:0016419, OMIM 114480. Disease mechanism: loss of function.
Fanconi anemia complementation group J. Also called: BRIP1-Related Fanconi Anemia. Identifiers: Orphanet 84, MedGen C1836860, MONDO:0012187, OMIM 609054.

Submission:

Labcorp Genetics (formerly Invitae), Labcorp
Classification: Uncertain significance for Familial cancer of breast; Fanconi anemia complementation group J. Last evaluated: 2025-07-09. Review status: criteria provided, single submitter. Criteria: Invitae Variant Classification Sherloc (09022015). Collection method: clinical testing. Allele origin: germline.
Comment: This sequence change replaces glutamine, which is neutral and polar, with glutamic acid, which is acidic and polar, at codon 740 of the BRIP1 protein (p.Gln740Glu). This variant is not present in population databases (gnomAD no frequency). This variant has not been reported in the literature in individuals affected with BRIP1-related conditions. ClinVar contains an entry for this variant (Variation ID: 937775). Invitae Evidence Modeling of protein sequence and biophysical properties (such as structural, functional, and spatial information, amino acid conservation, physicochemical variation, residue mobility, and thermodynamic stability) indicates that this missense variant is not expected to disrupt BRIP1 protein function with a negative predictive value of 95%. In summary, the available evidence is currently insufficient to determine the role of this variant in disease. Therefore, it has been classified as a Variant of Uncertain Significance.

NM_032043.3(BRIP1):c.2218C>G (p.Gln740Glu)

Gene: BRIP1 (BRCA1 interacting DNA helicase 1; minus strand). Cytogenetic location: 17q23.2.
Variant type: single nucleotide variant.
Coding change: c.2218C>G on transcript NM_032043.3 (MANE Select); coding-DNA position 2218, C replaced by G.
Protein change: p.Gln740Glu; replaces glutamine 740 with glutamic acid.
Molecular consequence: missense variant.
Genome position (GRCh38, 1-based): chr17:61,744,471, G>C on the plus strand (C>G on the coding strand, the complement: BRIP1 is on the minus strand). VCF-style: chr17-61744471-G-C. GRCh37 (hg19) VCF-style: chr17-59821832-G-C.
Other names: short protein forms Q740E.
Identifiers: ClinVar variation 937775 (VCV000937775.10), dbSNP rs1555591361, ClinGen allele CA400482951.
Genomic context (GRCh38, chr17:61,744,471, plus strand): 5'-CATGAAATAATTTCCAGTTACCTTTCTCTCCTTTGTATTTGATTGCGTCATAGTACACCT[G>C]CAGTAATTCATCAAAATTTGTTTTTTCTCCTCCCTGTGGTTCTACAATGACTGTCTTCAC-3'
Protein context (NP_114432.2, residues 730-750): GEKTNFDELL[Gln740Glu]VYYDAIKYKG